The following is an entry in ClinVar:

ClinVar aggregate classification (germline): Uncertain significance (1 of 4 stars; one submission).

gnomAD v4.1: 1 of 1,613,530 alleles (0.000062%); highest among the groups gnomAD compares: African/African-American, 0.0013%; no homozygotes.

Submission:

Greenwood Genetic Center Diagnostic Laboratories, Greenwood Genetic Center
Classification: Uncertain significance. Last evaluated: 2024-08-29. Review status: criteria provided, single submitter. Criteria: ACMG Guidelines, 2015. Collection method: clinical testing. Allele origin: germline. Affected: yes.
Comment: PM2, PP2

NM_001040142.2(SCN2A):c.857C>A (p.Ser286Tyr)

Gene: SCN2A (sodium voltage-gated channel alpha subunit 2; plus strand). Cytogenetic location: 2q24.3.
Variant type: single nucleotide variant.
Coding change: c.857C>A on transcript NM_001040142.2 (MANE Select); coding-DNA position 857, C replaced by A.
Protein change: p.Ser286Tyr; replaces serine 286 with tyrosine.
Molecular consequence: missense variant.
Genome position (GRCh38, 1-based): chr2:165,310,482, C>A. VCF-style: chr2-165310482-C-A. GRCh37 (hg19) VCF-style: chr2-166166992-C-A.
Other names: c.857C>A, p.Ser286Tyr (NM_001040143.2, NM_001371246.1, NM_001371247.1 and 1 more transcripts); short protein forms S286Y.
Identifiers: ClinVar variation 3765621 (VCV003765621.1).